The following is an entry in ClinVar:

NM_000481.4(AMT):c.13G>A (p.Val5Ile)

Genes: AMT (aminomethyltransferase; minus strand), NICN1 (nicolin 1, tubulin polyglutamylase complex subunit; minus strand). Cytogenetic location: 3p21.31.
Variant type: single nucleotide variant.
Coding change: c.13G>A on transcript NM_000481.4 (MANE Select); coding-DNA position 13, G replaced by A.
Protein change: p.Val5Ile; replaces valine 5 with isoleucine.
Molecular consequence: missense variant. On other transcripts: non-coding transcript variant (1), 3 prime UTR variant (1).
Genome position (GRCh38, 1-based): chr3:49,422,438, C>T on the plus strand (G>A on the coding strand, the complement: AMT is on the minus strand). VCF-style: chr3-49422438-C-T. GRCh37 (hg19) VCF-style: chr3-49459871-C-T.
Other names: c.13G>A, p.Val5Ile (NM_001164710.2, NM_001164711.2, NM_001164712.2); c.*2395G>A (NM_032316.3); short protein forms V5I.
Identifiers: ClinVar variation 1942956 (VCV001942956.2), dbSNP rs764032357, ClinGen allele CA352791519.
Genomic context (GRCh38, chr3:49,422,438, plus strand): 5'-GACGACACAAGGCCGGGGGGAATGCCTGCAGGCGAAAGCCCAGACGGGCCACCACACTTA[C>T]AGCCCTCTGCATCGTCGCCTGCAACGAGTGCAGACGGCGCACAGAGGCCACCACACTGCC-3'
Protein context (NP_000472.2, residues 1-15): MQRA[Val5Ile]SVVARLGFRL

ClinVar aggregate classification (germline): Uncertain significance (1 of 4 stars; one submission).

Conditions:
Glycine encephalopathy. Also called: Non-ketotic hyperglycinemia; Nonketotic hyperglycinemia. Identifiers: Orphanet 407, MedGen C0751748, MONDO:0011612, HP:0008288.

gnomAD v4.1: 4 of 1,613,346 alleles (0.00025%); highest among the groups gnomAD compares: Admixed American, 0.0017%; no homozygotes.

Submission:

Labcorp Genetics (formerly Invitae), Labcorp
Classification: Uncertain significance for Glycine encephalopathy. Last evaluated: 2022-05-08. Review status: criteria provided, single submitter. Criteria: Invitae Variant Classification Sherloc (09022015). Collection method: clinical testing. Allele origin: germline.
Comment: This sequence change replaces valine, which is neutral and non-polar, with isoleucine, which is neutral and non-polar, at codon 5 of the AMT protein (p.Val5Ile). This variant is present in population databases (no rsID available, gnomAD 0.003%). This variant has not been reported in the literature in individuals affected with AMT-related conditions. Advanced modeling of protein sequence and biophysical properties (such as structural, functional, and spatial information, amino acid conservation, physicochemical variation, residue mobility, and thermodynamic stability) performed at Invitae indicates that this missense variant is not expected to disrupt AMT protein function. Algorithms developed to predict the effect of sequence changes on RNA splicing suggest that this variant may disrupt the consensus splice site. In summary, the available evidence is currently insufficient to determine the role of this variant in disease. Therefore, it has been classified as a Variant of Uncertain Significance.